The following is an entry in ClinVar:

NM_000059.4(BRCA2):c.8580G>C (p.Lys2860Asn)

Gene: BRCA2 (BRCA2 DNA repair associated; plus strand). Cytogenetic location: 13q13.1.
Variant type: single nucleotide variant.
Coding change: c.8580G>C on transcript NM_000059.4 (MANE Select); coding-DNA position 8580, G replaced by C.
Protein change: p.Lys2860Asn; replaces lysine 2860 with asparagine.
Molecular consequence: missense variant. On other transcripts: non-coding transcript variant (1).
Genome position (GRCh38, 1-based): chr13:32,371,048, G>C. VCF-style: chr13-32371048-G-C. GRCh37 (hg19) VCF-style: chr13-32945185-G-C.
Other names: c.8484G>C, p.Lys2828Asn (NM_001406719.1); c.8580G>C, p.Lys2860Asn (NM_001406720.1, NM_001432077.1); c.3648G>C, p.Lys1216Asn (NM_001406721.1); c.2163G>C, p.Lys721Asn (NM_001406722.1); short protein forms K1216N, K2828N, K2860N, K721N.
Identifiers: ClinVar variation 4085123 (VCV004085123.8).

ClinVar aggregate classification (germline): Uncertain significance (1 of 4 stars; one submission).

Submission:

CeGaT Center for Human Genetics Tuebingen
Classification: Uncertain significance. Last evaluated: 2025-06-01. Review status: criteria provided, single submitter. Criteria: CeGaT Center For Human Genetics Tuebingen Variant Classification Criteria Version 2. Collection method: clinical testing. Allele origin: germline. Affected: yes. Observed: 1 variant allele.
Comment: BRCA2: PM2, BP4